The following is an entry in ClinVar:

ClinVar aggregate classification (germline): Uncertain significance (1 of 4 stars; one submission).

Conditions:
Hereditary breast ovarian cancer syndrome. Also called: Hereditary breast and/or ovarian cancer syndrome; Breast and ovarian cancer; BRCA1- and BRCA2-Associated Hereditary Breast and Ovarian Cancer; Hereditary breast and ovarian cancer syndrome; Hereditary breast and ovarian cancer syndrome (HBOC); Hereditary breast and ovarian cancer. Identifiers: Orphanet 145, MedGen C0677776, MeSH D061325, MONDO:0003582. Disease mechanism: loss of function.

Submission:

Labcorp Genetics (formerly Invitae), Labcorp
Classification: Uncertain significance for Hereditary breast ovarian cancer syndrome. Last evaluated: 2020-10-21. Review status: criteria provided, single submitter. Criteria: Invitae Variant Classification Sherloc (09022015). Collection method: clinical testing. Allele origin: germline.
Comment: In summary, the available evidence is currently insufficient to determine the role of this variant in disease. Therefore, it has been classified as a Variant of Uncertain Significance. Advanced modeling of protein sequence and biophysical properties (such as structural, functional, and spatial information, amino acid conservation, physicochemical variation, residue mobility, and thermodynamic stability) performed at Invitae indicates that this missense variant is expected to disrupt BRCA2 protein function. This variant has not been reported in the literature in individuals with BRCA2-related conditions. This variant is not present in population databases (ExAC no frequency). This sequence change replaces alanine with threonine at codon 2727 of the BRCA2 protein (p.Ala2727Thr). The alanine residue is moderately conserved and there is a small physicochemical difference between alanine and threonine.

NM_000059.4(BRCA2):c.8179G>A (p.Ala2727Thr)

Gene: BRCA2 (BRCA2 DNA repair associated; plus strand). Cytogenetic location: 13q13.1.
Variant type: single nucleotide variant.
Coding change: c.8179G>A on transcript NM_000059.4 (MANE Select); coding-DNA position 8179, G replaced by A.
Protein change: p.Ala2727Thr; replaces alanine 2727 with threonine.
Molecular consequence: missense variant.
Genome position (GRCh38, 1-based): chr13:32,363,381, G>A. VCF-style: chr13-32363381-G-A. GRCh37 (hg19) VCF-style: chr13-32937518-G-A.
Other names: short protein forms A2727T.
Identifiers: ClinVar variation 1059121 (VCV001059121.9), dbSNP rs730881582, ClinGen allele CA387749643.
Genomic context (GRCh38, chr13:32,363,381, plus strand): 5'-AAAACTAGTAGTGCAGATACCCAAAAAGTGGCCATTATTGAACTTACAGATGGGTGGTAT[G>A]CTGTTAAGGCCCAGTTAGATCCTCCCCTCTTAGCTGTCTTAAAGAATGGCAGACTGACAG-3'
Protein context (NP_000050.3, residues 2717-2737): AIIELTDGWY[Ala2727Thr]VKAQLDPPLL